The following is an entry in ClinVar:

ClinVar aggregate classification (germline): Likely benign. Review status: criteria provided, multiple submitters, no conflicts (2 of 4 stars). 3 submissions from 3 submitters: Likely benign (2). 1 of the submissions does not count toward it. Last evaluated 2025-11-25.

Conditions:
GFI1-related disorder. Also called: GFI1-related condition.
Neutropenia, severe congenital, 2, autosomal dominant. Identifiers: Orphanet 486, MedGen C2751288, MONDO:0013139, OMIM 613107.

Allele frequency attached by ClinVar (database versions not stated): gnomAD 0.00003; gnomAD exomes 0.00003 and 0.00004; TOPMed 0.00006; ExAC 0.00012; ESP Exome Variant Server 0.00017.
gnomAD v4.1: 62 of 1,550,070 alleles (0.004%); highest among the groups gnomAD compares: Middle Eastern, 0.017%; no homozygotes.

Submissions (3):

Labcorp Genetics (formerly Invitae), Labcorp
Classification: Likely benign for Neutropenia, severe congenital, 2, autosomal dominant. Last evaluated: 2025-11-25. Review status: criteria provided, single submitter. Criteria: Invitae Variant Classification Sherloc (09022015). Collection method: clinical testing. Allele origin: germline.

Ambry Genetics
Classification: Likely benign. Last evaluated: 2024-11-23. Review status: criteria provided, single submitter. Criteria: Ambry Variant Classification Scheme 2023. Collection method: clinical testing. Allele origin: germline.

PreventionGenetics, part of Exact Sciences
Classification: Likely benign for GFI1-related condition. Last evaluated: 2020-06-29. Review status: no assertion criteria provided. Collection method: clinical testing. Allele origin: germline. Not counted in ClinVar's aggregate classification.
Comment: This variant is classified as likely benign based on ACMG/AMP sequence variant interpretation guidelines (Richards et al. 2015 PMID: 25741868, with internal and published modifications).

NM_005263.5(GFI1):c.804C>T (p.His268=)

Gene: GFI1 (growth factor independent 1 transcriptional repressor; minus strand). Cytogenetic location: 1p22.1.
Variant type: single nucleotide variant.
Coding change: c.804C>T on transcript NM_005263.5 (MANE Select); coding-DNA position 804, C replaced by T.
Protein change: p.His268=; no amino-acid change (histidine 268 retained).
Molecular consequence: synonymous variant.
Genome position (GRCh38, 1-based): chr1:92,480,468, G>A on the plus strand (C>T on the coding strand, the complement: GFI1 is on the minus strand). VCF-style: chr1-92480468-G-A. GRCh37 (hg19) VCF-style: chr1-92946025-G-A.
Other names: c.804C>T, p.His268= (NM_001127215.3, NM_001127216.3).
Identifiers: ClinVar variation 538140 (VCV000538140.14), dbSNP rs376949976, ClinGen allele CA951303.
Genomic context (GRCh38, chr1:92,480,468, plus strand): 5'-CATCTCGCAGGCAAAGGGTCTGGTACCGCTGTGGGACCTGCGCACGTGCACCTCGAGCCC[G>A]TGCGGCGTGGAGAACACCTAAGGCGGGTGGGGCCAGAGAGAAGGCCGCTGAGAGGGGCCG-3'
Protein context (NP_005254.2, residues 258-278): IKCSKVFSTP[His268=]GLEVHVRRSH